The following is an entry in ClinVar:

ClinVar aggregate classification (germline): Benign. Review status: criteria provided, multiple submitters, no conflicts (2 of 4 stars). 2 submissions from 2 submitters: Benign (2). Last evaluated 2016-03-28.

Allele frequency attached by ClinVar (database versions not stated): 1000 Genomes Project 0.10883; 1000 Genomes Project 30x 0.10978.
gnomAD v4.1: 222,916 of 1,596,686 alleles (14%); highest among the groups gnomAD compares: Admixed American, 29%; 17,974 homozygotes.

Submissions (2):

Laboratory for Molecular Medicine, Mass General Brigham Personalized Medicine
Classification: Benign. Last evaluated: 2016-03-28. Review status: criteria provided, single submitter. Criteria: LMM Criteria. Collection method: clinical testing. Allele origin: germline.
Comment: Variant identified in a genome or exome case(s) and assessed due to predicted null impact of the variant or pathogenic assertions in the literature or databases. Disclaimer: This variant has not undergone full assessment. The following are preliminary notes: Frequency

Breakthrough Genomics
Classification: Benign. Review status: criteria provided, single submitter. Criteria: ACMG Guidelines, 2015. Collection method: not provided. Allele origin: germline. Inheritance: Unknown mechanism. Affected: yes.

NM_004000.3(CHI3L2):c.952C>T (p.Arg318Trp)

Gene: CHI3L2 (chitinase 3 like 2; plus strand). Cytogenetic location: 1p13.2.
Variant type: single nucleotide variant.
Coding change: c.952C>T on transcript NM_004000.3 (MANE Select); coding-DNA position 952, C replaced by T.
Protein change: p.Arg318Trp; replaces arginine 318 with tryptophan.
Molecular consequence: missense variant.
Genome position (GRCh38, 1-based): chr1:111,241,360, C>T. VCF-style: chr1-111241360-C-T. GRCh37 (hg19) VCF-style: chr1-111783982-C-T.
Other names: c.922C>T, p.Arg308Trp (NM_001025197.1); c.715C>T, p.Arg239Trp (NM_001025199.2); short protein forms R318W, R239W, R308W.
Identifiers: ClinVar variation 402537 (VCV000402537.5), dbSNP rs13721, ClinGen allele CA1003095.